The following is an entry in ClinVar:

NM_004655.4(AXIN2):c.1404CCA[7] (p.His474dup)

Gene: AXIN2 (axin 2; minus strand). Cytogenetic location: 17q24.1.
Variant type: Microsatellite.
Coding change: c.1404CCA[7] on transcript NM_004655.4 (MANE Select); seven copies in a row of the 3-base unit CCA starting at c.1404; the reference has six copies in a row; one copy, 3 bases duplicated; also written c.1419_1421dup.
Protein change: p.His474dup; duplicates histidine 474.
Molecular consequence: inframe insertion.
Genome position (GRCh38, 1-based): chr17:65,537,615-65,537,617, TGG duplicated on the plus strand (CCA on the coding strand, the reverse complement: AXIN2 is on the minus strand); duplicating any 3 consecutive bases within chr17:65,537,615-65,537,633 gives the same sequence; the position shown is the placement nearest the transcript's 3' end. VCF-style (leftmost placement, unchanged base first): chr17-65537614-A-ATGG. GRCh37 (hg19) VCF-style: chr17-63533732-A-ATGG.
Other names: c.1419_1421dupCCA (NM_004655.4); c.1419_1421dup (NM_004655.4, NM_004655.3); c.1421_1422insCCA (NM_004655.3); c.1404CCA[7], p.His474dup (NM_001363813.1).
Identifiers: ClinVar variation 234272 (VCV000234272.65), dbSNP rs570443161, ClinGen allele CA8718649.
Genomic context (GRCh38, chr17:65,537,614, plus strand): 5'-CGGCGAGGCGGCCGCGGGAGGCAGCTTGCCACCGGGCGGGAGCAGGGAGTGGTACTGCGA[A>ATGG]TGGTGGTGGTGGTGGTGGTCCGGGGAGCGGGAGCGGGGGCTATAGCGGCCTACGCCTGGA-3'

ClinVar aggregate classification (germline): Conflicting classifications of pathogenicity. Review status: criteria provided, conflicting classifications (1 of 4 stars). 14 submissions from 14 submitters: Uncertain significance (5); Benign (1); Likely benign (7). 1 of the submissions does not count toward it. Last evaluated 2026-02-03.

Conditions:
AXIN2-related disorder.
Hereditary cancer-predisposing syndrome. Also called: Neoplastic Syndromes, Hereditary; Hereditary Cancer Syndrome; Tumor predisposition; Hereditary neoplastic syndrome. Identifiers: Orphanet 140162, MedGen C0027672, MeSH D009386, MONDO:0015356.
Oligodontia-cancer predisposition syndrome. Also called: TOOTH AGENESIS-COLORECTAL CANCER SYNDROME. Identifiers: Orphanet 300576, MedGen C1837750, MONDO:0012075, OMIM 608615. Disease mechanism: loss of function.

Submissions (14):

Labcorp Genetics (formerly Invitae), Labcorp
Classification: Likely benign for Oligodontia-cancer predisposition syndrome. Last evaluated: 2026-02-03. Review status: criteria provided, single submitter. Criteria: Invitae Variant Classification Sherloc (09022015). Collection method: clinical testing. Allele origin: germline.

Center for Genomic Medicine, Rigshospitalet, Copenhagen University Hospital
Classification: Uncertain significance. Last evaluated: 2025-12-29. Review status: criteria provided, single submitter. Criteria: ACMG Guidelines, 2015. Collection method: clinical testing. Allele origin: germline.

Mayo Clinic Laboratories, Mayo Clinic
Classification: Uncertain significance. Last evaluated: 2025-07-23. Review status: criteria provided, single submitter. Criteria: ACMG Guidelines, 2015. Collection method: clinical testing. Allele origin: germline. Observed: 2 variant alleles.
Comment: BP3

Quest Diagnostics Nichols Institute San Juan Capistrano
Classification: Likely benign. Last evaluated: 2025-02-19. Review status: criteria provided, single submitter. Criteria: Quest Diagnostics criteria. Collection method: clinical testing. Allele origin: unknown.

Department of Pathology and Laboratory Medicine, Sinai Health System
Classification: Likely benign for oligodontia-cancer predisposition syndrome. Last evaluated: 2024-11-20. Review status: criteria provided, single submitter. Criteria: ACMG Guidelines, 2015. Collection method: clinical testing. Allele origin: germline.

Blueprint Genetics
Classification: Likely benign. Last evaluated: 2024-04-15. Review status: criteria provided, single submitter. Criteria: ACMG Guidelines, 2015. Collection method: clinical testing. Allele origin: germline.

CeGaT Center for Human Genetics Tuebingen
Classification: Likely benign. Last evaluated: 2024-03-01. Review status: criteria provided, single submitter. Criteria: CeGaT Center For Human Genetics Tuebingen Variant Classification Criteria Version 2. Collection method: clinical testing. Allele origin: germline. Affected: yes. Observed: 1 variant allele.
Comment: AXIN2: BP3

ARUP Laboratories, Molecular Genetics and Genomics, ARUP Laboratories
Classification: Uncertain significance. Last evaluated: 2023-11-30. Review status: criteria provided, single submitter. Criteria: ARUP Molecular Germline Variant Investigation Process 2024. Collection method: clinical testing. Allele origin: germline.
Comment: The AXIN2 c.1419_1421dup; p.His474dup variant (rs570443161), to our knowledge, is not reported in the medical literature but is reported in ClinVar (Variation ID: 234272). This variant is observed in the general population with an overall allele frequency of 0.03% (74/240142 alleles) in the Genome Aggregation Database (v2.1.1). This variant inserts a single histidine residue leaving the rest of the protein in-frame. Due to limited information, the clinical significance of this variant is uncertain at this time.

Ambry Genetics
Classification: Likely benign for Hereditary cancer-predisposing syndrome. Last evaluated: 2022-01-11. Review status: criteria provided, single submitter. Criteria: Ambry Variant Classification Scheme 2023. Collection method: clinical testing. Allele origin: germline.

Institute for Clinical Genetics, University Hospital TU Dresden, University Hospital TU Dresden
Classification: Uncertain significance. Last evaluated: 2021-11-03. Review status: criteria provided, single submitter. Criteria: ACMG Guidelines, 2015. Collection method: clinical testing. Allele origin: germline.

GeneDx
Classification: Likely benign. Last evaluated: 2021-06-04. Review status: criteria provided, single submitter. Criteria: GeneDx Variant Classification Process June 2021. Collection method: clinical testing. Allele origin: germline. Affected: yes.
Comment: This variant is associated with the following publications: (PMID: 28944238, 30404791, 27535533)

Sema4
Classification: Benign for Hereditary cancer-predisposing syndrome. Last evaluated: 2020-11-01. Review status: criteria provided, single submitter. Criteria: Sema4 Curation Guidelines. Collection method: curation. Allele origin: germline.

Baylor Genetics
Classification: Uncertain significance for Oligodontia-cancer predisposition syndrome. Last evaluated: 2020-06-05. Review status: criteria provided, single submitter. Criteria: ACMG Guidelines, 2015. Collection method: clinical testing. Allele origin: paternal. Affected: yes. Study: CSER-TexasKidsCanSeq.
Comment: This variant was determined to be of uncertain significance according to ACMG Guidelines, 2015 [PMID:25741868].

PreventionGenetics, part of Exact Sciences
Classification: Likely benign for AXIN2-related condition. Last evaluated: 2024-05-02. Review status: no assertion criteria provided. Collection method: clinical testing. Allele origin: germline. Not counted in ClinVar's aggregate classification.
Comment: This variant is classified as likely benign based on ACMG/AMP sequence variant interpretation guidelines (Richards et al. 2015 PMID: 25741868, with internal and published modifications).

Literature cited by the submitters: PubMed 34817745 (cited by Center for Genomic Medicine, Rigshospitalet, Copenhagen University Hospital); PubMed 28944238 (cited by Mayo Clinic Laboratories, Mayo Clinic).